The following is an entry in ClinVar:

ClinVar aggregate classification (germline): Uncertain significance (1 of 4 stars; one submission).

Conditions:
Autosomal dominant nonsyndromic hearing loss 1. Also called: DEAFNESS, AUTOSOMAL DOMINANT 1, WITH OR WITHOUT THROMBOCYTOPENIA; KONIGSMARK SYNDROME. Identifiers: Orphanet 90635, MedGen C1852282, MONDO:0007424, OMIM 124900.
Progressive microcephaly-seizures-cortical blindness-developmental delay syndrome. Also called: Seizures, cortical blindness, and microcephaly syndrome. Identifiers: Orphanet 477814, MedGen C5567650, MONDO:0014714, OMIM 616632.

Submission:

Labcorp Genetics (formerly Invitae), Labcorp
Classification: Uncertain significance for Progressive microcephaly-seizures-cortical blindness-developmental delay syndrome; Autosomal dominant nonsyndromic hearing loss 1. Last evaluated: 2023-12-09. Review status: criteria provided, single submitter. Criteria: Invitae Variant Classification Sherloc (09022015). Collection method: clinical testing. Allele origin: germline.
Comment: This sequence change replaces isoleucine, which is neutral and non-polar, with asparagine, which is neutral and polar, at codon 651 of the DIAPH1 protein (p.Ile651Asn). This variant is not present in population databases (gnomAD no frequency). This variant has not been reported in the literature in individuals affected with DIAPH1-related conditions. Experimental studies and prediction algorithms are not available or were not evaluated, and the functional significance of this variant is currently unknown. In summary, the available evidence is currently insufficient to determine the role of this variant in disease. Therefore, it has been classified as a Variant of Uncertain Significance.

NM_005219.5(DIAPH1):c.1952T>A (p.Ile651Asn)

Gene: DIAPH1 (diaphanous related formin 1; minus strand). Cytogenetic location: 5q31.3.
Variant type: single nucleotide variant.
Coding change: c.1952T>A on transcript NM_005219.5 (MANE Select); coding-DNA position 1952, T replaced by A.
Protein change: p.Ile651Asn; replaces isoleucine 651 with asparagine.
Molecular consequence: missense variant.
Genome position (GRCh38, 1-based): chr5:141,573,898, A>T on the plus strand (T>A on the coding strand, the complement: DIAPH1 is on the minus strand). VCF-style: chr5-141573898-A-T. GRCh37 (hg19) VCF-style: chr5-140953465-A-T.
Other names: c.1925T>A, p.Ile642Asn (NM_001079812.3); c.1952T>A, p.Ile651Asn (NM_001314007.2); short protein forms I642N, I651N.
Identifiers: ClinVar variation 2954508 (VCV002954508.3), dbSNP rs2513740805, ClinGen allele CA361519757.